The following is an entry in ClinVar:

ClinVar aggregate classification (germline): Uncertain significance. Review status: criteria provided, multiple submitters, no conflicts (2 of 4 stars). 2 submissions from 2 submitters: Uncertain significance (2). Last evaluated 2025-12-24.

Conditions:
Neurofibromatosis, type 2 (SWNV). Also called: BILATERAL ACOUSTIC NEUROFIBROMATOSIS; SCHWANNOMATOSIS, VESTIBULAR; NF2-Related Schwannomatosis. Identifiers: Orphanet 637, MedGen C0027832, MONDO:0007039, OMIM 101000. Disease mechanism: loss of function.
Hereditary cancer-predisposing syndrome. Also called: Tumor predisposition; Hereditary Cancer Syndrome; Neoplastic Syndromes, Hereditary; Hereditary neoplastic syndrome. Identifiers: Orphanet 140162, MedGen C0027672, MeSH D009386, MONDO:0015356.

gnomAD v4.1: 1 of 1,614,184 alleles (0.000062%); highest among the groups gnomAD compares: Non-Finnish European, 0.000085%; no homozygotes.

Submissions (2):

Labcorp Genetics (formerly Invitae), Labcorp
Classification: Uncertain significance for Neurofibromatosis, type 2. Last evaluated: 2025-12-24. Review status: criteria provided, single submitter. Criteria: Invitae Variant Classification Sherloc (09022015). Collection method: clinical testing. Allele origin: germline.
Comment: This sequence change replaces proline, which is neutral and non-polar, with arginine, which is basic and polar, at codon 91 of the NF2 protein (p.Pro91Arg). This variant is not present in population databases (gnomAD no frequency). This variant has not been reported in the literature in individuals affected with NF2-related conditions. ClinVar contains an entry for this variant (Variation ID: 971447). Invitae Evidence Modeling of protein sequence and biophysical properties (such as structural, functional, and spatial information, amino acid conservation, physicochemical variation, residue mobility, and thermodynamic stability) indicates that this missense variant is expected to disrupt NF2 protein function with a positive predictive value of 80%. In summary, the available evidence is currently insufficient to determine the role of this variant in disease. Therefore, it has been classified as a Variant of Uncertain Significance.

Ambry Genetics
Classification: Uncertain significance for Hereditary cancer-predisposing syndrome. Last evaluated: 2024-10-12. Review status: criteria provided, single submitter. Criteria: Ambry Variant Classification Scheme 2023. Collection method: clinical testing. Allele origin: germline.
Comment: The p.P91R variant (also known as c.272C>G), located in coding exon 3 of the NF2 gene, results from a C to G substitution at nucleotide position 272. The proline at codon 91 is replaced by arginine, an amino acid with dissimilar properties. This amino acid position is conserved. In addition, this alteration is predicted to be deleterious by in silico analysis. Since supporting evidence is limited at this time, the clinical significance of this alteration remains unclear.

NM_000268.4(NF2):c.272C>G (p.Pro91Arg)

Gene: NF2 (NF2, moesin-ezrin-radixin like (MERLIN) tumor suppressor; plus strand). Cytogenetic location: 22q12.2.
Variant type: single nucleotide variant.
Coding change: c.272C>G on transcript NM_000268.4 (MANE Select); coding-DNA position 272, C replaced by G.
Protein change: p.Pro91Arg; replaces proline 91 with arginine.
Molecular consequence: missense variant. On other transcripts: non-coding transcript variant (1), intron variant (3).
Genome position (GRCh38, 1-based): chr22:29,639,121, C>G. VCF-style: chr22-29639121-C-G. GRCh37 (hg19) VCF-style: chr22-30035110-C-G.
Other names: c.272C>G, p.Pro91Arg (NM_016418.5, NM_181825.3, NM_181832.3 and 1 more transcripts); c.146C>G, p.Pro49Arg (NM_181828.3); c.240+2245C>G (NM_181829.3); c.115-3081C>G (NM_181830.3, NM_181831.3); short protein forms P91R, P49R.
Identifiers: ClinVar variation 971447 (VCV000971447.13), dbSNP rs1569281659, ClinGen allele CA411153133.